The following is an entry in ClinVar:

NC_000012.12:g.121626892G>A

Genes: ORAI1 (ORAI calcium release-activated calcium modulator 1; plus strand), LOC130008987 (ATAC-STARR-seq lymphoblastoid silent region 4981; plus strand). Cytogenetic location: 12q24.31.
Variant type: single nucleotide variant.
Molecular consequence: non-coding transcript variant (on NR_186857.1).
Genome position: GRCh38 VCF-style: chr12-121626892-G-A. GRCh37 (hg19) VCF-style: chr12-122064798-G-A.
Identifiers: ClinVar variation 4786624 (VCV004786624.1).
Genomic context (GRCh38, chr12:121,626,892, plus strand): 5'-CCGCCGCCGCAGCGGGGACGGGGAGCCCCCGGGGGCCCCGCCCCGCCACCGCCGCCGTCC[G>A]CCGTCACCTACCCGGACTGGATCGGCCAGAGTTACTCCGAGGTGATGAGCCTCAACGAGC-3'

ClinVar aggregate classification (germline): Uncertain significance (1 of 4 stars; one submission).

Conditions:
Combined immunodeficiency due to ORAI1 deficiency. Also called: IMMUNODEFICIENCY 9. Identifiers: Orphanet 169090, Orphanet 317428, MedGen C2748568, MONDO:0013007, OMIM 612782.
Myopathy, tubular aggregate, 2 (TAM2). Identifiers: MedGen C4014557, MONDO:0014383, OMIM 615883.

Submission:

Labcorp Genetics (formerly Invitae), Labcorp
Classification: Uncertain significance for Myopathy, tubular aggregate, 2; Combined immunodeficiency due to ORAI1 deficiency. Last evaluated: 2025-11-11. Review status: criteria provided, single submitter. Criteria: Invitae Variant Classification Sherloc (09022015). Collection method: clinical testing. Allele origin: germline.
Comment: This sequence change replaces alanine, which is neutral and non-polar, with threonine, which is neutral and polar, at codon 49 of the ORAI1 protein (p.Ala49Thr). This variant is not present in population databases (gnomAD no frequency). This variant has not been reported in the literature in individuals affected with ORAI1-related conditions. Experimental studies and prediction algorithms are not available or were not evaluated, and the functional significance of this variant is currently unknown. In summary, the available evidence is currently insufficient to determine the role of this variant in disease. Therefore, it has been classified as a Variant of Uncertain Significance.